The following is an entry in ClinVar:

ClinVar aggregate classification (germline): Uncertain significance. Review status: criteria provided, multiple submitters, no conflicts (2 of 4 stars). 4 submissions from 4 submitters: Uncertain significance (3). 1 of the submissions does not count toward it. Last evaluated 2024-09-22.

Conditions:
Huntington disease (HD). Also called: Huntington's chorea; Huntington's disease; HUNTINGTON CHOREA. Identifiers: Orphanet 248111, Orphanet 399, MedGen C0020179, MONDO:0007739, OMIM 143100.
Lopes-Maciel-Rodan syndrome (LOMARS). Identifiers: MedGen C4479491, MONDO:0054573, OMIM 617435.

Allele frequency attached by ClinVar (database versions not stated): gnomAD 0.00004; gnomAD exomes 0.00004 and 0.00008; ExAC 0.00005; TOPMed 0.00008.
gnomAD v4.1: 69 of 1,612,578 alleles (0.0043%); highest among the groups gnomAD compares: Middle Eastern, 0.05%; no homozygotes.

Submissions (4):

Genomic Medicine Center of Excellence, King Faisal Specialist Hospital and Research Centre
Classification: Uncertain significance for Huntington disease. Last evaluated: 2024-09-22. Review status: criteria provided, single submitter. Criteria: ACMG Guidelines, 2015. Collection method: clinical testing. Allele origin: germline.

Blueprint Genetics
Classification: Uncertain significance. Last evaluated: 2024-09-17. Review status: criteria provided, single submitter. Criteria: ACMG Guidelines, 2015. Collection method: clinical testing. Allele origin: germline.

Labcorp Genetics (formerly Invitae), Labcorp
Classification: Uncertain significance. Last evaluated: 2022-10-14. Review status: criteria provided, single submitter. Criteria: Invitae Variant Classification Sherloc (09022015). Collection method: clinical testing. Allele origin: germline.
Comment: In summary, the available evidence is currently insufficient to determine the role of this variant in disease. Therefore, it has been classified as a Variant of Uncertain Significance. Experimental studies and prediction algorithms are not available or were not evaluated, and the functional significance of this variant is currently unknown. ClinVar contains an entry for this variant (Variation ID: 417742). This missense change has been observed in individual(s) with clinical features of Rett syndrome (PMID: 26740508). This variant is present in population databases (rs768047421, gnomAD 0.07%). This sequence change replaces proline, which is neutral and non-polar, with leucine, which is neutral and non-polar, at codon 705 of the HTT protein (p.Pro705Leu).

OMIM
Classification: Pathogenic for LOPES-MACIEL-RODAN SYNDROME. Last evaluated: 2017-04-15. Review status: no assertion criteria provided. Collection method: literature only. Allele origin: germline. Not counted in ClinVar's aggregate classification.

Literature cited by the submitters: PubMed 26740508 (cited by Labcorp Genetics (formerly Invitae), Labcorp and OMIM).

NM_001388492.1(HTT):c.2108C>T (p.Pro703Leu)

Gene: HTT (huntingtin; plus strand). Cytogenetic location: 4p16.3.
Variant type: single nucleotide variant.
Coding change: c.2108C>T on transcript NM_001388492.1 (MANE Select); coding-DNA position 2108, C replaced by T.
Protein change: p.Pro703Leu; replaces proline 703 with leucine.
Molecular consequence: missense variant.
Genome position (GRCh38, 1-based): chr4:3,131,647, C>T. VCF-style: chr4-3131647-C-T. GRCh37 (hg19) VCF-style: chr4-3133374-C-T.
Other names: P703L; c.2114C>T, p.Pro705Leu (NM_002111.8); short protein forms P705L.
Identifiers: ClinVar variation 417742 (VCV000417742.10), dbSNP rs768047421, ClinGen allele CA2823749.